The following is an entry in ClinVar:

NM_007294.4(BRCA1):c.1880_1881insAGTT (p.Ser628fs)

Gene: BRCA1 (BRCA1 DNA repair associated; minus strand). Cytogenetic location: 17q21.31.
Variant type: Insertion.
Coding change: c.1880_1881insAGTT on transcript NM_007294.4 (MANE Select); coding-DNA positions 1880 to 1881, AGTT inserted.
Protein change: p.Ser628fs; shifts the reading frame from serine 628.
Molecular consequence: frameshift variant. On other transcripts: intron variant (137).
Genome position: GRCh38 VCF-style: chr17-43093650-G-GAACT. GRCh37 (hg19) VCF-style: chr17-41245667-G-GAACT.
Other names: c.1880_1881insAGTT, p.Ser628fs (NM_007294.3, NM_001407854.1, NM_001407858.1 and 31 more transcripts); c.1739_1740insAGTT, p.Ser581fs (NM_001407732.1, NM_001407733.1, NM_001407734.1 and 29 more transcripts); c.1736_1737insAGTT, p.Ser580fs (NM_001407740.1, NM_001407741.1, NM_001407742.1 and 20 more transcripts); c.1667_1668insAGTT, p.Ser557fs (NM_001407853.1, NM_001407894.1, NM_001407895.1 and 9 more transcripts); c.1877_1878insAGTT, p.Ser627fs (NM_001407860.1, NM_001407861.1, NM_001407587.1 and 22 more transcripts); c.1679_1680insAGTT, p.Ser561fs (NM_001407862.1); c.1757_1758insAGTT, p.Ser587fs (NM_001407863.1, NM_001407919.1, NM_001407937.1 and 19 more transcripts); c.1676_1677insAGTT, p.Ser560fs (NM_001407874.1, NM_001407875.1); and 40 more; short protein forms S581fs, S628fs, S501fs, S561fs, S557fs, S601fs, S602fs, S625fs.
Identifiers: ClinVar variation 548202 (VCV000548202.2), dbSNP rs1555591019, ClinGen allele CA658824509.
Genomic context (GRCh38, chr17:43,093,650, plus strand): 5'-ACTGCTAGAACAACTATCAATTTGCAATTCAGTACAATTAGGTGGGCTTAGATTTCTACT[G>GAACT]ACTACTAGTTCAAGCGCATGAATATGCCTGGTAGAAGACTTCCTCCTCAGCCTATTCTTT-3'

ClinVar aggregate classification (germline): Pathogenic (3 of 4 stars; one submission).

Conditions:
Breast-ovarian cancer, familial, susceptibility to, 1 (BROVCA1). Also called: BRCA1 Hereditary Breast and Ovarian Cancer; OVARIAN CANCER, SUSCEPTIBILITY TO. Identifiers: Orphanet 145, MedGen C2676676, MONDO:0011450, OMIM 604370. Disease mechanism: loss of function.

Submission:

Evidence-based Network for the Interpretation of Germline Mutant Alleles (ENIGMA)
Classification: Pathogenic for Breast-ovarian cancer, familial, susceptibility to, 1. Last evaluated: 2017-12-15. Review status: reviewed by expert panel. Criteria: ENIGMA BRCA1/2 Classification Criteria (2017-06-29). Collection method: curation. Allele origin: germline. Study: ENIGMA.
Comment: Variant allele predicted to encode a truncated non-functional protein.